The following is an entry in ClinVar:

ClinVar aggregate classification (germline): Conflicting classifications of pathogenicity. Review status: criteria provided, conflicting classifications (1 of 4 stars). 4 submissions from 4 submitters: Uncertain significance (2); Likely benign (2). Last evaluated 2026-02-01.

Conditions:
Inborn genetic diseases. Identifiers: MedGen C0950123, MeSH D030342.

Allele frequency attached by ClinVar (database versions not stated): gnomAD exomes 0.00005 and 0.00013; ExAC 0.00014; 1000 Genomes Project 30x 0.00016; 1000 Genomes Project 0.00020; gnomAD 0.00053 and 0.00063; TOPMed 0.00062; ESP Exome Variant Server 0.00069.

Submissions (4):

Labcorp Genetics (formerly Invitae), Labcorp
Classification: Likely benign. Last evaluated: 2026-02-01. Review status: criteria provided, single submitter. Criteria: Invitae Variant Classification Sherloc (09022015). Collection method: clinical testing. Allele origin: germline.

Blueprint Genetics
Classification: Likely benign. Last evaluated: 2024-10-16. Review status: criteria provided, single submitter. Criteria: ACMG Guidelines, 2015. Collection method: clinical testing. Allele origin: germline.

Ambry Genetics
Classification: Uncertain significance for Inborn genetic diseases. Last evaluated: 2024-10-07. Review status: criteria provided, single submitter. Criteria: Ambry Variant Classification Scheme 2023. Collection method: clinical testing. Allele origin: germline.

Genetic Services Laboratory, University of Chicago
Classification: Uncertain significance. Last evaluated: 2023-01-12. Review status: criteria provided, single submitter. Criteria: ACMG Guidelines, 2015. Collection method: clinical testing. Allele origin: germline. Affected: no.
Comment: DNA sequence analysis of the DZIP1L gene demonstrated a sequence change, c.1830G>A, in exon 13 that results in an amino acid change, p.Met610Ile. This sequence change has been described in the gnomAD database with a frequency of 0.16% in the African/African American subpopulation (dbSNP rs150239870). The p.Met610Ile change affects a poorly conserved amino acid residue located in a domain of the DZIP1L protein that is not known to be functional. The p.Met610Ile substitution appears to be benign using several in-silico pathogenicity prediction tools (SIFT, PolyPhen2, Align GVGD, REVEL). This sequence change does not appear to have been previously described in individuals with DZIP1L-related disorders. Due to insufficient evidences and the lack of functional studies, the clinical significance of the p.Met610Ile change remains unknown at this time.

NM_173543.3(DZIP1L):c.1830G>A (p.Met610Ile)

Gene: DZIP1L (DAZ interacting zinc finger protein 1 like; minus strand). Cytogenetic location: 3q22.3.
Variant type: single nucleotide variant.
Coding change: c.1830G>A on transcript NM_173543.3 (MANE Select); coding-DNA position 1830, G replaced by A.
Protein change: p.Met610Ile; replaces methionine 610 with isoleucine.
Molecular consequence: missense variant.
Genome position (GRCh38, 1-based): chr3:138,068,153, C>T on the plus strand (G>A on the coding strand, the complement: DZIP1L is on the minus strand). VCF-style: chr3-138068153-C-T. GRCh37 (hg19) VCF-style: chr3-137786995-C-T.
Other names: c.1830G>A (NM_173543.2); short protein forms M610I.
Identifiers: ClinVar variation 1541730 (VCV001541730.15), dbSNP rs150239870, ClinGen allele CA2634785.